The following is an entry in ClinVar:

NM_178014.4(TUBB):c.752G>T (p.Arg251Leu)

Gene: TUBB (tubulin beta class I; plus strand). Cytogenetic location: 6p21.33.
Variant type: single nucleotide variant.
Coding change: c.752G>T on transcript NM_178014.4 (MANE Select); coding-DNA position 752, G replaced by T.
Protein change: p.Arg251Leu; replaces arginine 251 with leucine.
Molecular consequence: missense variant. On other transcripts: intron variant (1).
Genome position (GRCh38, 1-based): chr6:30,723,814, G>T. VCF-style: chr6-30723814-G-T. GRCh37 (hg19) VCF-style: chr6-30691591-G-T.
Other names: c.812G>T, p.Arg271Leu (NM_001293212.2); c.620G>T, p.Arg207Leu (NM_001293214.2); c.536G>T, p.Arg179Leu (NM_001293215.2, NM_001293216.2); c.370-224G>T (NM_001293213.2); short protein forms R179L, R207L, R251L, R271L.
Identifiers: ClinVar variation 3777398 (VCV003777398.1).
Genomic context (GRCh38, chr6:30,723,814, plus strand): 5'-CCACCATGAGTGGTGTCACCACCTGCCTCCGTTTCCCTGGCCAGCTCAATGCTGACCTCC[G>T]CAAGTTGGCAGTCAACATGGTCCCCTTCCCACGTCTCCATTTCTTTATGCCTGGCTTTGC-3'
Protein context (NP_821133.1, residues 241-261): RFPGQLNADL[Arg251Leu]KLAVNMVPFP

ClinVar aggregate classification (germline): Likely pathogenic (1 of 4 stars; one submission).

Submission:

GeneDx
Classification: Likely pathogenic. Last evaluated: 2024-10-11. Review status: criteria provided, single submitter. Criteria: GeneDx Variant Classification Process June 2021. Collection method: clinical testing. Allele origin: germline. Affected: yes.
Comment: Not observed at significant frequency in large population cohorts (gnomAD); In silico analysis supports that this missense variant has a deleterious effect on protein structure/function; This variant is associated with the following publications: (PMID: 37486637)